The following is an entry in ClinVar:

ClinVar aggregate classification (germline): Conflicting classifications of pathogenicity. Review status: criteria provided, conflicting classifications (1 of 4 stars). 8 submissions from 8 submitters: Uncertain significance (7); Benign (1). Last evaluated 2025-11-01.

Conditions:
Charcot-Marie-Tooth disease type 4B2. Also called: CHARCOT-MARIE-TOOTH DISEASE, DEMYELINATING, TYPE 4B2; CHARCOT-MARIE-TOOTH DISEASE, WITH FOCALLY FOLDED MYELIN SHEATHS, AUTOSOMAL RECESSIVE, TYPE 4B2; Charcot-Marie-Tooth Neuropathy Type 4B2; CMT 4B2. Identifiers: Orphanet 99956, MedGen C1858278, MONDO:0011475, OMIM 604563.
Inborn genetic diseases. Identifiers: MedGen C0950123, MeSH D030342.
Charcot-Marie-Tooth disease. Also called: Charcot-Marie-Tooth Neuropathy; Charcot-Marie-Tooth Hereditary Neuropathy. Identifiers: Orphanet 166, MedGen C0007959, MONDO:0015626.
Charcot-Marie-Tooth disease type 4. Also called: Charcot-Marie-Tooth disease, type IV; Charcot-Marie-Tooth, Type 4. Identifiers: Orphanet 64749, MedGen C4082197, MONDO:0018995.

Allele frequency attached by ClinVar (database versions not stated): 1000 Genomes Project 0.00020; TOPMed 0.00026; gnomAD 0.00029; gnomAD exomes 0.00029; ExAC 0.00030; 1000 Genomes Project 30x 0.00031; ESP Exome Variant Server 0.00046.
gnomAD v4.1: 456 of 1,613,550 alleles (0.028%); highest among the groups gnomAD compares: Non-Finnish European, 0.031%; 1 homozygote.

Submissions (8):

CeGaT Center for Human Genetics Tuebingen
Classification: Uncertain significance. Last evaluated: 2025-11-01. Review status: criteria provided, single submitter. Criteria: CeGaT Center For Human Genetics Tuebingen Variant Classification Criteria Version 2. Collection method: clinical testing. Allele origin: germline. Affected: yes. Observed: 1 variant allele.
Comment: SBF2: PP3

Women's Health and Genetics/Laboratory Corporation of America, LabCorp
Classification: Uncertain significance. Last evaluated: 2025-09-05. Review status: criteria provided, single submitter. Criteria: LabCorp Variant Classification Summary - May 2015. Collection method: clinical testing. Allele origin: germline.
Comment: Variant summary: SBF2 c.4522C>T (p.Arg1508Cys) results in a non-conservative amino acid change in the encoded protein sequence. Algorithms developed to predict the effect of missense changes on protein structure and function all suggest that this variant is likely to be disruptive. The variant allele was found at a frequency of 0.00029 in 251210 control chromosomes. This frequency is not significantly higher than estimated for disease-causing variants in SBF2, allowing no conclusion about variant significance. c.4522C>T has been observed in at least one individual affected with Charcot-Marie-Tooth disease (Volodarsky_2021). These reports do not provide unequivocal conclusions about association of the variant with Charcot-Marie-Tooth disease type 4B2. To our knowledge, no experimental evidence demonstrating an impact on protein function has been reported. The following publication has been ascertained in the context of this evaluation (PMID: 32376792). ClinVar contains an entry for this variant (Variation ID: 306583). Based on the evidence outlined above, the variant was classified as uncertain significance.

Labcorp Genetics (formerly Invitae), Labcorp
Classification: Uncertain significance for Charcot-Marie-Tooth disease type 4. Last evaluated: 2024-11-11. Review status: criteria provided, single submitter. Criteria: Invitae Variant Classification Sherloc (09022015). Collection method: clinical testing. Allele origin: germline.
Comment: This sequence change replaces arginine, which is basic and polar, with cysteine, which is neutral and slightly polar, at codon 1508 of the SBF2 protein (p.Arg1508Cys). This variant is present in population databases (rs141108330, gnomAD 0.1%). This missense change has been observed in individual(s) with Charcot-Marie-Tooth disease (PMID: 32376792). ClinVar contains an entry for this variant (Variation ID: 306583). Invitae Evidence Modeling of protein sequence and biophysical properties (such as structural, functional, and spatial information, amino acid conservation, physicochemical variation, residue mobility, and thermodynamic stability) indicates that this missense variant is expected to disrupt SBF2 protein function with a positive predictive value of 80%. In summary, the available evidence is currently insufficient to determine the role of this variant in disease. Therefore, it has been classified as a Variant of Uncertain Significance.

Athena Diagnostics
Classification: Benign. Last evaluated: 2024-01-10. Review status: criteria provided, single submitter. Criteria: Athena Diagnostics Criteria. Collection method: clinical testing. Allele origin: unknown.

Ambry Genetics
Classification: Uncertain significance for Inborn genetic diseases. Last evaluated: 2022-01-22. Review status: criteria provided, single submitter. Criteria: Ambry Variant Classification Scheme 2023. Collection method: clinical testing. Allele origin: germline.

GeneDx
Classification: Uncertain significance. Last evaluated: 2019-05-30. Review status: criteria provided, single submitter. Criteria: GeneDx Variant Classification Process June 2021. Collection method: clinical testing. Allele origin: germline. Affected: yes.
Comment: In silico analysis, which includes protein predictors and evolutionary conservation, supports a deleterious effect; Has not been previously published as pathogenic or benign to our knowledge; This variant is associated with the following publications: (PMID: 32376792)

Illumina Laboratory Services, Illumina
Classification: Uncertain significance for Charcot-Marie-Tooth disease type 4B2. Last evaluated: 2017-04-27. Review status: criteria provided, single submitter. Criteria: ICSL Variant Classification Criteria 13 December 2019. Collection method: clinical testing. Allele origin: germline.

Molecular Genetics Laboratory, London Health Sciences Centre
Classification: Uncertain significance for Charcot-Marie-Tooth disease. Review status: criteria provided, single submitter. Criteria: ACMG Guidelines, 2015. Collection method: clinical testing. Allele origin: germline. Affected: yes.

Literature cited by the submitters: PubMed 32376792 (cited by Women's Health and Genetics/Laboratory Corporation of America, LabCorp and Labcorp Genetics (formerly Invitae), Labcorp).

NM_030962.4(SBF2):c.4522C>T (p.Arg1508Cys)

Genes: SBF2 (SET binding factor 2; minus strand), SBF2-AS1 (SBF2 antisense RNA 1; plus strand). Cytogenetic location: 11p15.4.
Variant type: single nucleotide variant.
Coding change: c.4522C>T on transcript NM_030962.4 (MANE Select); coding-DNA position 4522, C replaced by T.
Protein change: p.Arg1508Cys; replaces arginine 1508 with cysteine.
Molecular consequence: missense variant.
Genome position (GRCh38, 1-based): chr11:9,795,879, G>A on the plus strand (C>T on the coding strand, the complement: SBF2 is on the minus strand). VCF-style: chr11-9795879-G-A. GRCh37 (hg19) VCF-style: chr11-9817426-G-A.
Other names: c.4618C>T, p.Arg1540Cys (NM_001386339.1); c.4393C>T, p.Arg1465Cys (NM_001386342.1); short protein forms R1508C, R1465C, R1540C.
Identifiers: ClinVar variation 306583 (VCV000306583.23), dbSNP rs141108330, ClinGen allele CA5880963.
Genomic context (GRCh38, chr11:9,795,879, plus strand): 5'-ACAGACACATACCGTGCTCTAATCTTTCATAGTCTGAATCCAGGAGAAATGTTTTAAAGC[G>A]ATTAGACACATAGTGGAAAGCCAAGAACTTTAAGTAATAGAGATTGAATTCAAACTCAGT-3'
Protein context (NP_112224.1, residues 1498-1518): KFLAFHYVSN[Arg1508Cys]FKTFLLDSDY